The following is an entry in ClinVar:

ClinVar aggregate classification (germline): Uncertain significance (1 of 4 stars; one submission).

Conditions:
Hereditary cancer-predisposing syndrome. Also called: Neoplastic Syndromes, Hereditary; Hereditary neoplastic syndrome; Tumor predisposition; Hereditary Cancer Syndrome. Identifiers: Orphanet 140162, MedGen C0027672, MeSH D009386, MONDO:0015356.

Submission:

Color Diagnostics, LLC DBA Color Health
Classification: Uncertain significance for Hereditary cancer-predisposing syndrome. Last evaluated: 2025-06-09. Review status: criteria provided, single submitter. Criteria: ACMG Guidelines, 2015. Collection method: clinical testing. Allele origin: germline.
Comment: This missense variant replaces histidine with aspartic acid at codon 898 of the APC protein. Computational prediction suggests that this variant may have deleterious impact on protein structure and function. To our knowledge, functional studies have not been reported for this variant. This variant has not been reported in individuals affected with APC-related disorders in the literature. This variant has not been identified in the general population by the Genome Aggregation Database (gnomAD). The available evidence is insufficient to determine the role of this variant in disease conclusively. Therefore, this variant is classified as a Variant of Uncertain Significance.

NM_000038.6(APC):c.2692C>G (p.His898Asp)

Gene: APC (APC regulator of Wnt signaling pathway; plus strand). Cytogenetic location: 5q22.2.
Variant type: single nucleotide variant.
Coding change: c.2692C>G on transcript NM_000038.6 (MANE Select); coding-DNA position 2692, C replaced by G.
Protein change: p.His898Asp; replaces histidine 898 with aspartic acid.
Molecular consequence: missense variant. On other transcripts: non-coding transcript variant (2).
Genome position (GRCh38, 1-based): chr5:112,838,286, C>G. VCF-style: chr5-112838286-C-G. GRCh37 (hg19) VCF-style: chr5-112173983-C-G.
Other names: c.2692C>G, p.His898Asp (NM_001127510.3, NM_001354895.2, NM_001407450.1); c.2638C>G, p.His880Asp (NM_001127511.3); c.2746C>G, p.His916Asp (NM_001354896.2, NM_001407447.1, NM_001407448.1 and 1 more transcripts); c.2722C>G, p.His908Asp (NM_001354897.2); c.2617C>G, p.His873Asp (NM_001354898.2); c.2608C>G, p.His870Asp (NM_001354899.2); c.2569C>G, p.His857Asp (NM_001354900.2); c.2515C>G, p.His839Asp (NM_001354901.2, NM_001407453.1); and 11 more; short protein forms H514D, H615D, H738D, H769D, H772D, H797D, H807D, H815D.
Identifiers: ClinVar variation 4758772 (VCV004758772.1).